The following is an entry in ClinVar:

NM_000361.3(THBD):c.596C>A (p.Ala199Asp)

Gene: THBD (thrombomodulin; minus strand). Cytogenetic location: 20p11.21.
Variant type: single nucleotide variant.
Coding change: c.596C>A on transcript NM_000361.3 (MANE Select); coding-DNA position 596, C replaced by A.
Protein change: p.Ala199Asp; replaces alanine 199 with aspartic acid.
Molecular consequence: missense variant.
Genome position (GRCh38, 1-based): chr20:23,048,909, G>T on the plus strand (C>A on the coding strand, the complement: THBD is on the minus strand). VCF-style: chr20-23048909-G-T. GRCh37 (hg19) VCF-style: chr20-23029546-G-T.
Other names: short protein forms A199D.
Identifiers: ClinVar variation 4280356 (VCV004280356.1).

ClinVar aggregate classification (germline): Uncertain significance (1 of 4 stars; one submission).

Conditions:
Thrombomodulin-related bleeding disorder (THPH12). Also called: Thrombophilia due to thrombomodulin defect. Identifiers: Orphanet 436169, MedGen C3280976, MONDO:0013775, OMIM 614486.

Submission:

Genomenon, Inc
Classification: Uncertain significance for Thrombomodulin-related bleeding disorder. Last evaluated: 2025-09-22. Review status: criteria provided, single submitter. Criteria: Genomenon Sequence Variant Interpretation Standards - Updated. Collection method: curation. Allele origin: germline. Affected: no.
Comment: THBD p.Ala199Asp (c.596C>A) is a missense variant that changes the amino acid at residue 199 from Alanine to Aspartic acid. This variant has been reported in the published literature (PMID:36622444). It is absent or not present at a significant frequency in gnomAD. In conclusion, we classify THBD p.Ala199Asp (c.596C>A) as a variant of unknown significance.

Literature cited by the submitters: PubMed 36622444.